The following is an entry in ClinVar:

ClinVar aggregate classification (germline): Benign. Review status: criteria provided, multiple submitters, no conflicts (2 of 4 stars). 3 submissions from 2 submitters: Benign (3). Last evaluated 2018-01-12.

Conditions:
Nephropathic cystinosis (CTNS). Also called: CYSTINOSIN, DEFECT OF; LYSOSOMAL CYSTINE TRANSPORT PROTEIN, DEFECT OF; Abderhalden Lignac Kaufmann disease; Abderhalden-Kaufmann-Lignac syndrome. Identifiers: Orphanet 213, Orphanet 411629, MedGen C2931187, MONDO:0100151, OMIM 219800.
Ocular cystinosis. Also called: Non-Nephropathic (Ocular) Cystinosis; Non-Nephropathic Cystinosis. Identifiers: Orphanet 213, Orphanet 411641, MedGen C2931013, MONDO:0009064, OMIM 219750.

Allele frequency attached by ClinVar (database versions not stated): gnomAD exomes 0.12205; TOPMed 0.18836; gnomAD 0.19022 and 0.19286; 1000 Genomes Project 0.19389; 1000 Genomes Project 30x 0.19535.

Submissions (3):

Illumina Laboratory Services, Illumina
Classification: Benign for Nephropathic cystinosis. Last evaluated: 2018-01-12. Review status: criteria provided, single submitter. Criteria: ICSL Variant Classification Criteria 13 December 2019. Collection method: clinical testing. Allele origin: germline.
Comment: This variant was observed in the ICSL laboratory as part of a predisposition screen in an ostensibly healthy population. It had not been previously curated by ICSL or reported in the Human Gene Mutation Database (HGMD: prior to June 1st, 2018), and was therefore a candidate for classification through an automated scoring system. Utilizing variant allele frequency, disease prevalence and penetrance estimates, and inheritance mode, an automated score was calculated to assess if this variant is too frequent to cause the disease. Based on the score and internal cut-off values, a variant classified as benign is not then subjected to further curation. The score for this variant resulted in a classification of benign for this disease.

Illumina Laboratory Services, Illumina
Classification: Benign for Ocular cystinosis. Last evaluated: 2018-01-12. Review status: criteria provided, single submitter. Criteria: ICSL Variant Classification Criteria 13 December 2019. Collection method: clinical testing. Allele origin: germline.
Comment: the same text as in the submission from Illumina Laboratory Services, Illumina above.

Breakthrough Genomics
Classification: Benign. Review status: criteria provided, single submitter. Criteria: ACMG Guidelines, 2015. Collection method: not provided. Allele origin: germline. Inheritance: Autosomal recessive inheritance. Affected: yes.

NM_004937.3(CTNS):c.*1025A>G

Gene: CTNS (cystinosin, lysosomal cystine transporter; plus strand). Cytogenetic location: 17p13.2.
Variant type: single nucleotide variant.
Coding change: c.*1025A>G on transcript NM_004937.3 (MANE Select); 1025 bases downstream of the stop codon, A replaced by G.
Molecular consequence: 3 prime UTR variant.
Genome position (GRCh38, 1-based): chr17:3,661,394, A>G. VCF-style: chr17-3661394-A-G. GRCh37 (hg19) VCF-style: chr17-3564688-A-G.
Other names: c.*660A>G (NM_001031681.3, NM_001374492.1); c.*1025A>G (NM_001374493.1, NM_001374494.1, NM_001374495.1 and 1 more transcripts).
Identifiers: ClinVar variation 322872 (VCV000322872.6), dbSNP rs1048674, ClinGen allele CA10649959.